The following is an entry in ClinVar:

ClinVar aggregate classification (germline): Uncertain significance (1 of 4 stars; one submission).

Submission:

Ambry Genetics
Classification: Uncertain significance. Last evaluated: 2026-03-30. Review status: criteria provided, single submitter. Criteria: Ambry Variant Classification Scheme 2023. Collection method: clinical testing. Allele origin: germline.
Comment: The p.C401W variant (also known as c.1203T>G), located in coding exon 6 of the GFI1 gene, results from a T to G substitution at nucleotide position 1203. The cysteine at codon 401 is replaced by tryptophan, an amino acid with highly dissimilar properties. This amino acid position is conserved. In addition, this alteration is predicted to be deleterious by in silico analysis. Based on the available evidence, the clinical significance of this variant remains unclear.

NM_005263.5(GFI1):c.1203T>G (p.Cys401Trp)

Genes: GFI1 (growth factor independent 1 transcriptional repressor; minus strand), LOC129930930 (ATAC-STARR-seq lymphoblastoid active region 1314; plus strand). Cytogenetic location: 1p22.1.
Variant type: single nucleotide variant.
Coding change: c.1203T>G on transcript NM_005263.5 (MANE Select); coding-DNA position 1203, T replaced by G.
Protein change: p.Cys401Trp; replaces cysteine 401 with tryptophan.
Molecular consequence: missense variant.
Genome position (GRCh38, 1-based): chr1:92,476,095, A>C on the plus strand (T>G on the coding strand, the complement: GFI1 is on the minus strand). VCF-style: chr1-92476095-A-C. GRCh37 (hg19) VCF-style: chr1-92941652-A-C.
Other names: c.1203T>G, p.Cys401Trp (NM_001127215.3, NM_001127216.3); short protein forms C401W.
Identifiers: ClinVar variation 4858028 (VCV004858028.1).